The following is an entry in ClinVar:

ClinVar aggregate classification (germline): Pathogenic (1 of 4 stars; one submission).

Conditions:
Alpha-1-antitrypsin deficiency (A1ATD). Also called: AAT deficiency; A1AT deficiency; Alpha1-Antitrypsin Deficiency. Identifiers: Orphanet 60, MedGen C0221757, MONDO:0013282, OMIM 613490.

Submission:

Labcorp Genetics (formerly Invitae), Labcorp
Classification: Pathogenic for Alpha-1-antitrypsin deficiency. Last evaluated: 2022-05-22. Review status: criteria provided, single submitter. Criteria: Invitae Variant Classification Sherloc (09022015). Collection method: clinical testing. Allele origin: germline.
Comment: For these reasons, this variant has been classified as Pathogenic. This variant has not been reported in the literature in individuals affected with SERPINA1-related conditions. This variant is not present in population databases (gnomAD no frequency). This sequence change creates a premature translational stop signal (p.Gln135*) in the SERPINA1 gene. It is expected to result in an absent or disrupted protein product. Loss-of-function variants in SERPINA1 are known to be pathogenic (PMID: 25425243).

Literature cited by the submitters: PubMed 25425243.

NM_000295.5(SERPINA1):c.403C>T (p.Gln135Ter)

Gene: SERPINA1 (serpin family A member 1; minus strand). Cytogenetic location: 14q32.13.
Variant type: single nucleotide variant.
Coding change: c.403C>T on transcript NM_000295.5 (MANE Select); coding-DNA position 403, C replaced by T.
Protein change: p.Gln135Ter; replaces glutamine 135 with a stop codon.
Molecular consequence: nonsense.
Genome position (GRCh38, 1-based): chr14:94,382,835, G>A on the plus strand (C>T on the coding strand, the complement: SERPINA1 is on the minus strand). VCF-style: chr14-94382835-G-A. GRCh37 (hg19) VCF-style: chr14-94849172-G-A.
Other names: c.403C>T, p.Gln135Ter (NM_001002235.3, NM_001002236.3, NM_001127700.2 and 7 more transcripts); short protein forms Q135*.
Identifiers: ClinVar variation 1997864 (VCV001997864.4), dbSNP rs2504778008, ClinGen allele CA390850029.